The following is an entry in ClinVar:

ClinVar aggregate classification (germline): Likely benign. Review status: criteria provided, multiple submitters, no conflicts (2 of 4 stars). 5 submissions from 5 submitters: Likely benign (5). Last evaluated 2025-08-07.

Conditions:
ADGRV1-related disorder. Also called: ADGRV1-related disorders; ADGRV1-related condition.

Allele frequency attached by ClinVar (database versions not stated): gnomAD 0.00004; gnomAD exomes 0.00004 and 0.00008; TOPMed 0.00005; ExAC 0.00011.
gnomAD v4.1: 65 of 1,612,736 alleles (0.004%); highest among the groups gnomAD compares: Admixed American, 0.03%; no homozygotes.

Submissions (5):

PreventionGenetics, part of Exact Sciences
Classification: Likely benign for ADGRV1-related condition. Last evaluated: 2025-08-07. Review status: criteria provided, single submitter. Criteria: ACMG Guidelines, 2015. Collection method: clinical testing. Allele origin: germline.
Comment: This variant is classified as likely benign based on ACMG/AMP sequence variant interpretation guidelines (Richards et al. 2015 PMID: 25741868, with internal and published modifications).

Labcorp Genetics (formerly Invitae), Labcorp
Classification: Likely benign. Last evaluated: 2025-04-07. Review status: criteria provided, single submitter. Criteria: Invitae Variant Classification Sherloc (09022015). Collection method: clinical testing. Allele origin: germline.

CeGaT Center for Human Genetics Tuebingen
Classification: Likely benign. Last evaluated: 2022-07-01. Review status: criteria provided, single submitter. Criteria: CeGaT Center For Human Genetics Tuebingen Variant Classification Criteria Version 2. Collection method: clinical testing. Allele origin: germline. Affected: yes. Observed: 1 variant allele.
Comment: ADGRV1: BP4, BP7

Blueprint Genetics
Classification: Likely benign. Last evaluated: 2021-02-11. Review status: criteria provided, single submitter. Criteria: ACMG Guidelines, 2015. Collection method: clinical testing. Allele origin: germline.

GeneDx
Classification: Likely benign. Last evaluated: 2020-08-18. Review status: criteria provided, single submitter. Criteria: GeneDx Variant Classification Process June 2021. Collection method: clinical testing. Allele origin: germline. Affected: yes.

NM_032119.4(ADGRV1):c.4170C>T (p.Asn1390=)

Gene: ADGRV1 (adhesion G protein-coupled receptor V1; plus strand). Cytogenetic location: 5q14.3.
Variant type: single nucleotide variant.
Coding change: c.4170C>T on transcript NM_032119.4 (MANE Select); coding-DNA position 4170, C replaced by T.
Protein change: p.Asn1390=; no amino-acid change (asparagine 1390 retained).
Molecular consequence: synonymous variant. On other transcripts: non-coding transcript variant (1).
Genome position (GRCh38, 1-based): chr5:90,653,744, C>T. VCF-style: chr5-90653744-C-T. GRCh37 (hg19) VCF-style: chr5-89949561-C-T.
Identifiers: ClinVar variation 710731 (VCV000710731.38), dbSNP rs772616548, ClinGen allele CA3339298.